The following is an entry in ClinVar:

NM_001242896.3(DEPDC5):c.252T>C (p.Asp84=)

Gene: DEPDC5 (DEP domain containing 5, GATOR1 subcomplex subunit; plus strand). Cytogenetic location: 22q12.2.
Variant type: single nucleotide variant.
Coding change: c.252T>C on transcript NM_001242896.3 (MANE Select); coding-DNA position 252, T replaced by C.
Protein change: p.Asp84=; no amino-acid change (aspartic acid 84 retained).
Molecular consequence: synonymous variant. On other transcripts: non-coding transcript variant (5).
Genome position (GRCh38, 1-based): chr22:31,765,033, T>C. VCF-style: chr22-31765033-T-C. GRCh37 (hg19) VCF-style: chr22-32161019-T-C.
Other names: p.Asp84=; c.252T>C, p.Asp84= (NM_001007188.4, NM_001136029.4, NM_001242897.2 and 9 more transcripts).
Identifiers: ClinVar variation 466472 (VCV000466472.18), dbSNP rs183443533, ClinGen allele CA10195881.

ClinVar aggregate classification (germline): Benign/Likely benign. Review status: criteria provided, multiple submitters, no conflicts (2 of 4 stars). 4 submissions from 4 submitters: Benign (1); Likely benign (3). Last evaluated 2026-01-26.

Conditions:
Familial focal epilepsy with variable foci (FPEVF). Identifiers: Orphanet 98820, MedGen C1858477, MONDO:0020310.
Inborn genetic diseases. Identifiers: MedGen C0950123, MeSH D030342.

Allele frequency attached by ClinVar (database versions not stated): gnomAD exomes 0.00004 and 0.00012; ExAC 0.00007; gnomAD 0.00009 and 0.00011; TOPMed 0.00025; 1000 Genomes Project 30x 0.00031; 1000 Genomes Project 0.00040.
gnomAD v4.1: 92 of 1,614,118 alleles (0.0057%); highest among the groups gnomAD compares: Admixed American, 0.08%; no homozygotes.

Submissions (4):

Labcorp Genetics (formerly Invitae), Labcorp
Classification: Likely benign for Familial focal epilepsy with variable foci. Last evaluated: 2026-01-26. Review status: criteria provided, single submitter. Criteria: Invitae Variant Classification Sherloc (09022015). Collection method: clinical testing. Allele origin: germline.

Mayo Clinic Laboratories, Mayo Clinic
Classification: Benign. Last evaluated: 2022-02-18. Review status: criteria provided, single submitter. Criteria: ACMG Guidelines, 2015. Collection method: clinical testing. Allele origin: germline. Observed: 2 variant alleles.
Comment: BS1, BS2, BP4, BP5, BP7

Ambry Genetics
Classification: Likely benign for Inborn genetic diseases. Last evaluated: 2017-02-13. Review status: criteria provided, single submitter. Criteria: Ambry Variant Classification Scheme 2023. Collection method: clinical testing. Allele origin: germline.

Breakthrough Genomics
Classification: Likely benign. Review status: criteria provided, single submitter. Criteria: ACMG Guidelines, 2015. Collection method: not provided. Allele origin: germline. Inheritance: Autosomal dominant inheritance. Affected: yes.